The following is an entry in ClinVar:

NM_017617.5(NOTCH1):c.4144G>A (p.Glu1382Lys)

Gene: NOTCH1 (notch receptor 1; minus strand). Cytogenetic location: 9q34.3.
Variant type: single nucleotide variant.
Coding change: c.4144G>A on transcript NM_017617.5 (MANE Select); coding-DNA position 4144, G replaced by A.
Protein change: p.Glu1382Lys; replaces glutamic acid 1382 with lysine.
Molecular consequence: missense variant.
Genome position (GRCh38, 1-based): chr9:136,505,752, C>T on the plus strand (G>A on the coding strand, the complement: NOTCH1 is on the minus strand). VCF-style: chr9-136505752-C-T. GRCh37 (hg19) VCF-style: chr9-139400204-C-T.
Other names: c.4144G>A (NM_017617.3); short protein forms E1382K.
Identifiers: ClinVar variation 2717936 (VCV002717936.4), dbSNP rs764931034, ClinGen allele CA201645117.

ClinVar aggregate classification (germline): Conflicting classifications of pathogenicity. Review status: criteria provided, conflicting classifications (1 of 4 stars). 2 submissions from 2 submitters: Uncertain significance (1); Likely benign (1). Last evaluated 2026-06-25.

Conditions:
Familial thoracic aortic aneurysm and aortic dissection (TAAD). Also called: Thoracic aortic aneurysms and dissections. Identifiers: Orphanet 91387, MedGen C4707243, MONDO:0019625.
Adams-Oliver syndrome 5 (AOS5). Identifiers: Orphanet 974, MedGen C4014970, MONDO:0014459, OMIM 616028.

gnomAD v4.1: 8 of 1,587,290 alleles (0.0005%); highest among the groups gnomAD compares: East Asian, 0.0022%; no homozygotes.

Submissions (2):

Ambry Genetics
Classification: Uncertain significance for Familial thoracic aortic aneurysm and aortic dissection. Last evaluated: 2026-06-25. Review status: criteria provided, single submitter. Criteria: Ambry Variant Classification Scheme 2023. Collection method: clinical testing. Allele origin: germline.
Comment: The p.E1382K variant (also known as c.4144G>A), located in coding exon 25 of the NOTCH1 gene, results from a G to A substitution at nucleotide position 4144. The glutamic acid at codon 1382 is replaced by lysine, an amino acid with similar properties. This amino acid position is conserved. In addition, this alteration is predicted to be tolerated by in silico analysis. Based on the available evidence, the clinical significance of this variant remains unclear.

Labcorp Genetics (formerly Invitae), Labcorp
Classification: Likely benign for Adams-Oliver syndrome 5. Last evaluated: 2026-02-01. Review status: criteria provided, single submitter. Criteria: Invitae Variant Classification Sherloc (09022015). Collection method: clinical testing. Allele origin: germline.